The following is an entry in ClinVar:

NM_018979.4(WNK1):c.6641A>G (p.Gln2214Arg)

Gene: WNK1 (WNK lysine deficient protein kinase 1; plus strand). Cytogenetic location: 12p13.33.
Variant type: single nucleotide variant.
Coding change: c.6641A>G on transcript NM_018979.4 (MANE Select); coding-DNA position 6641, A replaced by G.
Protein change: p.Gln2214Arg; replaces glutamine 2214 with arginine.
Molecular consequence: missense variant.
Genome position (GRCh38, 1-based): chr12:900,668, A>G. VCF-style: chr12-900668-A-G. GRCh37 (hg19) VCF-style: chr12-1009834-A-G.
Other names: c.7421A>G, p.Gln2474Arg (NM_001184985.2); c.5897A>G, p.Gln1966Arg (NM_014823.3); c.7397A>G, p.Gln2466Arg (NM_213655.5); short protein forms Q1966R, Q2474R, Q2466R, Q2214R.
Identifiers: ClinVar variation 2040449 (VCV002040449.4), dbSNP rs1380548148, ClinGen allele CA383338372.

ClinVar aggregate classification (germline): Uncertain significance (1 of 4 stars; one submission).

Conditions:
Neuropathy, hereditary sensory and autonomic, type 2A (HSAN2A). Also called: ACROOSTEOLYSIS, GIACCAI TYPE; ACROOSTEOLYSIS, NEUROGENIC; MORVAN DISEASE; NEUROPATHY, CONGENITAL SENSORY; NEUROPATHY, HEREDITARY SENSORY RADICULAR, AUTOSOMAL RECESSIVE; NEUROPATHY, HEREDITARY SENSORY, TYPE IIA. Identifiers: Orphanet 970, MedGen C2752089, MONDO:0024309, OMIM 201300.
Pseudohypoaldosteronism type 2C (PHA2C). Also called: Pseudohypoaldosteronism Type IIC. Identifiers: Orphanet 757, Orphanet 88940, MedGen C1840391, MONDO:0013778, OMIM 614492.

Allele frequency attached by ClinVar (database versions not stated): TOPMed below 0.00001.

Submission:

Labcorp Genetics (formerly Invitae), Labcorp
Classification: Uncertain significance for Neuropathy, hereditary sensory and autonomic, type 2A; Pseudohypoaldosteronism type 2C. Last evaluated: 2025-09-15. Review status: criteria provided, single submitter. Criteria: Invitae Variant Classification Sherloc (09022015). Collection method: clinical testing. Allele origin: germline.
Comment: This sequence change replaces glutamine, which is neutral and polar, with arginine, which is basic and polar, at codon 2466 of the WNK1 protein (p.Gln2466Arg). The frequency data for this variant in the population databases is considered unreliable, as metrics indicate poor data quality at this position in the gnomAD database. This variant has not been reported in the literature in individuals affected with WNK1-related conditions. ClinVar contains an entry for this variant (Variation ID: 2040449). Experimental studies and prediction algorithms are not available or were not evaluated, and the functional significance of this variant is currently unknown. In summary, the available evidence is currently insufficient to determine the role of this variant in disease. Therefore, it has been classified as a Variant of Uncertain Significance.